The following is an entry in ClinVar:

NM_025114.4(CEP290):c.5804A>G (p.Glu1935Gly)

Gene: CEP290 (centrosomal protein 290; minus strand). Cytogenetic location: 12q21.32.
Variant type: single nucleotide variant.
Coding change: c.5804A>G on transcript NM_025114.4 (MANE Select); coding-DNA position 5804, A replaced by G.
Protein change: p.Glu1935Gly; replaces glutamic acid 1935 with glycine.
Molecular consequence: missense variant.
Genome position (GRCh38, 1-based): chr12:88,071,832, T>C on the plus strand (A>G on the coding strand, the complement: CEP290 is on the minus strand). VCF-style: chr12-88071832-T-C. GRCh37 (hg19) VCF-style: chr12-88465609-T-C.
Other names: short protein forms E1935G.
Identifiers: ClinVar variation 5000945 (VCV005000945.1).

ClinVar aggregate classification (germline): Uncertain significance (1 of 4 stars; one submission).

Conditions:
CEP290-related disorder. Also called: CEP290-related condition; CEP290-related disorders. Identifiers: MedGen CN239314.

Submission:

PreventionGenetics, part of Exact Sciences
Classification: Uncertain significance for CEP290-related condition. Last evaluated: 2025-01-25. Review status: criteria provided, single submitter. Criteria: ACMG Guidelines, 2015. Collection method: clinical testing. Allele origin: germline.
Comment: The CEP290 c.5804A>G variant is predicted to result in the amino acid substitution p.Glu1935Gly. To our knowledge, this variant has not been reported in the literature or in a large population database (gnomAD), indicating it is rare. At this time, the clinical significance of this variant is uncertain due to the absence of conclusive functional and genetic evidence.